The following is an entry in ClinVar:

ClinVar aggregate classification (germline): Likely benign. Review status: criteria provided, single submitter (1 of 4 stars). 2 submissions from 2 submitters: Likely benign (1). 1 of the submissions does not count toward it. Last evaluated 2025-06-02.

Conditions:
FOXP1-related disorder. Also called: FOXP1-related condition.

Allele frequency attached by ClinVar (database versions not stated): gnomAD 0.00005; ESP Exome Variant Server 0.00008; ExAC 0.00001; TOPMed 0.00005.
gnomAD v4.1: 48 of 1,613,560 alleles (0.003%); highest among the groups gnomAD compares: Non-Finnish European, 0.0036%; no homozygotes.

Submissions (2):

Labcorp Genetics (formerly Invitae), Labcorp
Classification: Likely benign. Last evaluated: 2025-06-02. Review status: criteria provided, single submitter. Criteria: Invitae Variant Classification Sherloc (09022015). Collection method: clinical testing. Allele origin: germline.

PreventionGenetics, part of Exact Sciences
Classification: Likely benign for FOXP1-related condition. Last evaluated: 2019-05-01. Review status: no assertion criteria provided. Collection method: clinical testing. Allele origin: germline. Not counted in ClinVar's aggregate classification.
Comment: This variant is classified as likely benign based on ACMG/AMP sequence variant interpretation guidelines (Richards et al. 2015 PMID: 25741868, with internal and published modifications).

NM_001349338.3(FOXP1):c.1063-5G>A

Gene: FOXP1 (forkhead box P1; minus strand). Cytogenetic location: 3p13.
Variant type: single nucleotide variant.
Coding change: c.1063-5G>A on transcript NM_001349338.3 (MANE Select); 5 bases into the intron before coding-DNA position 1063, G replaced by A.
Molecular consequence: intron variant.
Genome position (GRCh38, 1-based): chr3:70,988,082, C>T on the plus strand (G>A on the coding strand, the complement: FOXP1 is on the minus strand). VCF-style: chr3-70988082-C-T. GRCh37 (hg19) VCF-style: chr3-71037233-C-T.
Other names: c.1063-5G>A (NM_032682.5, NM_001244810.2, NM_032682.6 and 4 more transcripts); c.1060-5G>A (NM_001349341.3); c.835-5G>A (NM_001244812.3); c.760-5G>A (NM_001349343.3, NM_001349337.2, NM_001349344.3); c.763-5G>A (NM_001349342.3, NM_001370548.1, NM_001244815.2 and 1 more transcripts).
Identifiers: ClinVar variation 2971553 (VCV002971553.5), dbSNP rs367770797, ClinGen allele CA2491107.